The following is an entry in ClinVar:

ClinVar aggregate classification (germline): Uncertain significance (1 of 4 stars; one submission).

gnomAD v4.1: 3 of 1,613,622 alleles (0.00019%); highest among the groups gnomAD compares: Non-Finnish European, 0.00025%; no homozygotes.

Submission:

Labcorp Genetics (formerly Invitae), Labcorp
Classification: Uncertain significance. Last evaluated: 2022-06-29. Review status: criteria provided, single submitter. Criteria: Invitae Variant Classification Sherloc (09022015). Collection method: clinical testing. Allele origin: germline.
Comment: In summary, the available evidence is currently insufficient to determine the role of this variant in disease. Therefore, it has been classified as a Variant of Uncertain Significance. Algorithms developed to predict the effect of missense changes on protein structure and function are either unavailable or do not agree on the potential impact of this missense change (SIFT: "Tolerated"; PolyPhen-2: "Possibly Damaging"; Align-GVGD: "Class C0"). This variant has not been reported in the literature in individuals affected with EXOSC9-related conditions. This variant is not present in population databases (gnomAD no frequency). This sequence change replaces serine, which is neutral and polar, with proline, which is neutral and non-polar, at codon 353 of the EXOSC9 protein (p.Ser353Pro).

NM_005033.3(EXOSC9):c.1057T>C (p.Ser353Pro)

Gene: EXOSC9 (exosome component 9; plus strand). Cytogenetic location: 4q27.
Variant type: single nucleotide variant.
Coding change: c.1057T>C on transcript NM_005033.3 (MANE Select); coding-DNA position 1057, T replaced by C.
Protein change: p.Ser353Pro; replaces serine 353 with proline.
Molecular consequence: missense variant.
Genome position (GRCh38, 1-based): chr4:121,813,948, T>C. VCF-style: chr4-121813948-T-C. GRCh37 (hg19) VCF-style: chr4-122735103-T-C.
Other names: c.1057T>C, p.Ser353Pro (NM_001034194.2); short protein forms S353P.
Identifiers: ClinVar variation 2012214 (VCV002012214.4), dbSNP rs778847636, ClinGen allele CA358046207.
Genomic context (GRCh38, chr4:121,813,948, plus strand): 5'-ACTCCTGGAACTGCCCAAATTGGAGAGGGAGTAGAAAACTCCTGGGGTGATCTTGAAGAC[T>C]CTGAGAAGGAAGATGATGAAGGCGGTGGTGATCAAGCTATCATTCTTGATGGTATAAAAA-3'
Protein context (NP_005024.2, residues 343-363): VENSWGDLED[Ser353Pro]EKEDDEGGGD